The following is an entry in ClinVar:

NM_000096.4(CP):c.2831A>G (p.Lys944Arg)

Gene: CP (ceruloplasmin; minus strand). Cytogenetic location: 3q24.
Variant type: single nucleotide variant.
Coding change: c.2831A>G on transcript NM_000096.4 (MANE Select); coding-DNA position 2831, A replaced by G.
Protein change: p.Lys944Arg; replaces lysine 944 with arginine.
Molecular consequence: missense variant. On other transcripts: non-coding transcript variant (1).
Genome position (GRCh38, 1-based): chr3:149,178,462, T>C on the plus strand (A>G on the coding strand, the complement: CP is on the minus strand). VCF-style: chr3-149178462-T-C. GRCh37 (hg19) VCF-style: chr3-148896249-T-C.
Other names: short protein forms K944R.
Identifiers: ClinVar variation 2061666 (VCV002061666.4), dbSNP rs2472732863, ClinGen allele CA354929526.

ClinVar aggregate classification (germline): Uncertain significance (1 of 4 stars; one submission).

Conditions:
Deficiency of ferroxidase (ACEP). Also called: NEURODEGENERATION WITH BRAIN IRON ACCUMULATION 10; Deficiency of ceruloplasmin; Aceruloplasminemia; Ceruloplasmin deficiency; Familial apoceruloplasmin deficiency; Hereditary ceruloplasmin deficiency. Identifiers: Orphanet 48818, MedGen C0878682, MONDO:0011426, OMIM 604290, HP:0025498.

Submission:

Labcorp Genetics (formerly Invitae), Labcorp
Classification: Uncertain significance for Deficiency of ferroxidase. Last evaluated: 2022-08-19. Review status: criteria provided, single submitter. Criteria: Invitae Variant Classification Sherloc (09022015). Collection method: clinical testing. Allele origin: germline.
Comment: Algorithms developed to predict the effect of missense changes on protein structure and function output the following: SIFT: "Tolerated"; PolyPhen-2: "Benign"; Align-GVGD: "Class C0". The arginine amino acid residue is found in multiple mammalian species, which suggests that this missense change does not adversely affect protein function. This variant has not been reported in the literature in individuals affected with CP-related conditions. This variant is not present in population databases (gnomAD no frequency). This sequence change replaces lysine, which is basic and polar, with arginine, which is basic and polar, at codon 944 of the CP protein (p.Lys944Arg). In summary, the available evidence is currently insufficient to determine the role of this variant in disease. Therefore, it has been classified as a Variant of Uncertain Significance.